The following is an entry in ClinVar:

NM_000264.5(PTCH1):c.1915T>C (p.Tyr639His)

Genes: PTCH1 (patched 1; minus strand), LOC100507346 (uncharacterized LOC100507346; plus strand). Cytogenetic location: 9q22.32.
Variant type: single nucleotide variant.
Coding change: c.1915T>C on transcript NM_000264.5 (MANE Select); coding-DNA position 1915, T replaced by C.
Protein change: p.Tyr639His; replaces tyrosine 639 with histidine.
Molecular consequence: missense variant. On other transcripts: non-coding transcript variant (2).
Genome position (GRCh38, 1-based): chr9:95,469,086, A>G on the plus strand (T>C on the coding strand, the complement: PTCH1 is on the minus strand). VCF-style: chr9-95469086-A-G. GRCh37 (hg19) VCF-style: chr9-98231368-A-G.
Other names: c.1717T>C, p.Tyr573His (NM_001083602.3); c.1912T>C, p.Tyr638His (NM_001083603.3); c.1462T>C, p.Tyr488His (NM_001083604.3, NM_001083605.3, NM_001083606.3 and 1 more transcripts); c.1759T>C, p.Tyr587His (NM_001354918.2); short protein forms Y488H, Y638H, Y573H, Y639H, Y587H.
Identifiers: ClinVar variation 1782579 (VCV001782579.6), dbSNP rs775023150, ClinGen allele CA5138483.

ClinVar aggregate classification (germline): Conflicting classifications of pathogenicity. Review status: criteria provided, conflicting classifications (1 of 4 stars). 2 submissions from 2 submitters: Uncertain significance (1); Benign (1). Last evaluated 2025-03-07.

Conditions:
Hereditary cancer-predisposing syndrome. Also called: Tumor predisposition; Neoplastic Syndromes, Hereditary; Hereditary Cancer Syndrome; Hereditary neoplastic syndrome. Identifiers: Orphanet 140162, MedGen C0027672, MeSH D009386, MONDO:0015356.
Gorlin syndrome. Also called: Nevoid Basal Cell Carcinoma Syndrome; Basal cell nevus syndrome. Identifiers: Orphanet 377, MedGen C0004779, MONDO:0007187.

Allele frequency attached by ClinVar (database versions not stated): gnomAD exomes below 0.00001; ExAC 0.00001; TOPMed 0.00002.
gnomAD v4.1: 1 of 1,613,988 alleles (0.000062%); highest among the groups gnomAD compares: African/African-American, 0.0013%; no homozygotes.

Submissions (2):

Ambry Genetics
Classification: Uncertain significance for Hereditary cancer-predisposing syndrome. Last evaluated: 2025-03-07. Review status: criteria provided, single submitter. Criteria: Ambry Variant Classification Scheme 2023. Collection method: clinical testing. Allele origin: germline.
Comment: The p.Y639H variant (also known as c.1915T>C), located in coding exon 14 of the PTCH1 gene, results from a T to C substitution at nucleotide position 1915. The tyrosine at codon 639 is replaced by histidine, an amino acid with similar properties. This amino acid position is well conserved in available vertebrate species. In addition, this alteration is predicted to be tolerated by in silico analysis. Based on the available evidence, the clinical significance of this variant remains unclear.

Labcorp Genetics (formerly Invitae), Labcorp
Classification: Benign for Gorlin syndrome. Last evaluated: 2024-08-15. Review status: criteria provided, single submitter. Criteria: Invitae Variant Classification Sherloc (09022015). Collection method: clinical testing. Allele origin: germline.